The following is an entry in ClinVar:

ClinVar aggregate classification (germline): Uncertain significance (1 of 4 stars; one submission).

Conditions:
Hereditary sensory neuropathy-deafness-dementia syndrome. Also called: Hereditary sensory neuropathy type IE; HSN IE; NEUROPATHY, HEREDITARY SENSORY, WITH HEARING LOSS AND DEMENTIA; Hereditary Sensory and Autonomic Neuropathy Type 1E (HSAN1E). Identifiers: Orphanet 456318, MedGen C3279885, MONDO:0013584, OMIM 614116.

gnomAD v4.1: 1 of 1,613,860 alleles (0.000062%); highest among the groups gnomAD compares: Non-Finnish European, 0.000085%; no homozygotes.

Submission:

Labcorp Genetics (formerly Invitae), Labcorp
Classification: Uncertain significance for Hereditary sensory neuropathy-deafness-dementia syndrome. Last evaluated: 2024-07-23. Review status: criteria provided, single submitter. Criteria: Invitae Variant Classification Sherloc (09022015). Collection method: clinical testing. Allele origin: germline.
Comment: This sequence change replaces threonine, which is neutral and polar, with asparagine, which is neutral and polar, at codon 178 of the DNMT1 protein (p.Thr178Asn). This variant is not present in population databases (gnomAD no frequency). This variant has not been reported in the literature in individuals affected with DNMT1-related conditions. An algorithm developed to predict the effect of missense changes on protein structure and function (PolyPhen-2) suggests that this variant is likely to be tolerated. In summary, the available evidence is currently insufficient to determine the role of this variant in disease. Therefore, it has been classified as a Variant of Uncertain Significance.

NM_001130823.3(DNMT1):c.533C>A (p.Thr178Asn)

Gene: DNMT1 (DNA methyltransferase 1; minus strand). Cytogenetic location: 19p13.2.
Variant type: single nucleotide variant.
Coding change: c.533C>A on transcript NM_001130823.3 (MANE Select); coding-DNA position 533, C replaced by A.
Protein change: p.Thr178Asn; replaces threonine 178 with asparagine.
Molecular consequence: missense variant.
Genome position (GRCh38, 1-based): chr19:10,177,328, G>T on the plus strand (C>A on the coding strand, the complement: DNMT1 is on the minus strand). VCF-style: chr19-10177328-G-T. GRCh37 (hg19) VCF-style: chr19-10288004-G-T.
Other names: c.485C>A, p.Thr162Asn (NM_001318730.2, NM_001379.4); c.170C>A, p.Thr57Asn (NM_001318731.2); short protein forms T162N, T57N, T178N.
Identifiers: ClinVar variation 3660305 (VCV003660305.2).